The following is an entry in ClinVar:

ClinVar aggregate classification (germline): Uncertain significance (1 of 4 stars; one submission).

Conditions:
Werner syndrome (WRN). Identifiers: Orphanet 902, MedGen C0043119, MONDO:0010196, OMIM 277700.

Allele frequency attached by ClinVar (database versions not stated): gnomAD 0.00001; gnomAD exomes 0.00001 and 0.00002; TOPMed 0.00002.
gnomAD v4.1: 23 of 1,611,152 alleles (0.0014%); highest among the groups gnomAD compares: Middle Eastern, 0.016%; no homozygotes.

Submission:

Labcorp Genetics (formerly Invitae), Labcorp
Classification: Uncertain significance for Werner syndrome. Last evaluated: 2025-08-20. Review status: criteria provided, single submitter. Criteria: Invitae Variant Classification Sherloc (09022015). Collection method: clinical testing. Allele origin: germline.
Comment: This sequence change replaces tyrosine, which is neutral and polar, with cysteine, which is neutral and slightly polar, at codon 436 of the WRN protein (p.Tyr436Cys). This variant is present in population databases (no rsID available, gnomAD 0.002%). This variant has not been reported in the literature in individuals affected with WRN-related conditions. ClinVar contains an entry for this variant (Variation ID: 657871). An algorithm developed to predict the effect of missense changes on protein structure and function outputs the following: PolyPhen-2: "Benign". The cysteine amino acid residue is found in multiple mammalian species, which suggests that this missense change does not adversely affect protein function. In summary, the available evidence is currently insufficient to determine the role of this variant in disease. Therefore, it has been classified as a Variant of Uncertain Significance.

NM_000553.6(WRN):c.1307A>G (p.Tyr436Cys)

Gene: WRN (WRN RecQ like helicase; plus strand). Cytogenetic location: 8p12.
Variant type: single nucleotide variant.
Coding change: c.1307A>G on transcript NM_000553.6 (MANE Select); coding-DNA position 1307, A replaced by G.
Protein change: p.Tyr436Cys; replaces tyrosine 436 with cysteine.
Molecular consequence: missense variant.
Genome position (GRCh38, 1-based): chr8:31,083,736, A>G. VCF-style: chr8-31083736-A-G. GRCh37 (hg19) VCF-style: chr8-30941252-A-G.
Other names: short protein forms Y436C.
Identifiers: ClinVar variation 657871 (VCV000657871.7), dbSNP rs1290717956, ClinGen allele CA370922637.